The following is an entry in ClinVar:

NM_000257.4(MYH7):c.3028C>T (p.Leu1010Phe)

Gene: MYH7 (myosin heavy chain 7; minus strand). Cytogenetic location: 14q11.2.
Variant type: single nucleotide variant.
Coding change: c.3028C>T on transcript NM_000257.4 (MANE Select); coding-DNA position 3028, C replaced by T.
Protein change: p.Leu1010Phe; replaces leucine 1010 with phenylalanine.
Molecular consequence: missense variant.
Genome position (GRCh38, 1-based): chr14:23,423,618, G>A on the plus strand (C>T on the coding strand, the complement: MYH7 is on the minus strand). VCF-style: chr14-23423618-G-A. GRCh37 (hg19) VCF-style: chr14-23892827-G-A.
Other names: short protein forms L1010F.
Identifiers: ClinVar variation 1011193 (VCV001011193.12), dbSNP rs768312155, ClinGen allele CA035267.

ClinVar aggregate classification (germline): Uncertain significance. Review status: criteria provided, multiple submitters, no conflicts (2 of 4 stars). 4 submissions from 4 submitters: Uncertain significance (4). Last evaluated 2025-11-18.

Conditions:
Hypertrophic cardiomyopathy 1 (CMH1). Also called: Familial hypertrophic cardiomyopathy 1; MYH7-Related Familial Hypertrophic Cardiomyopathy. Identifiers: MedGen C3495498, MONDO:0008647, OMIM 192600.
Congenital myopathy with fiber type disproportion. Also called: Congenital fiber-type disproportion myopathy; Congenital fiber-type disproportion. Identifiers: Orphanet 2020, MedGen C0546264, MONDO:0009711. Inheritance: all.
MYH7-related skeletal myopathy. Also called: Myopathy, distal, 1; MYOPATHY, DISTAL, EARLY-ONSET, AUTOSOMAL DOMINANT; MYOPATHY, LATE DISTAL HEREDITARY; Laing distal myopathy; Laing early-onset distal myopathy. Identifiers: Orphanet 59135, MedGen C4552004, MONDO:0008050, OMIM 160500.
Myopathy, myosin storage, autosomal recessive (CMYO7B). Also called: CONGENITAL MYOPATHY 7B, MYOSIN STORAGE, AUTOSOMAL RECESSIVE. Identifiers: Orphanet 636970, MedGen C1850709, MONDO:0009708, OMIM 255160.
Myosin storage myopathy (CMYO7A). Also called: MYOPATHY WITH LYSIS OF TYPE I MYOFIBRILS; Scapuloperoneal myopathy, MYH7-related; MYH7-related late-onset scapuloperoneal muscular dystrophy; Congenital myopathy 7A, myosin storage, autosomal dominant; SCAPULOPERONEAL MUSCULAR DYSTROPHY; SCAPULOPERONEAL SYNDROME, MYOPATHIC TYPE. Identifiers: Orphanet 437572, Orphanet 636965, MedGen C1842160, MONDO:0008409, OMIM 608358.
Dilated cardiomyopathy 1S (CMD1S). Identifiers: Orphanet 154, Orphanet 54260, MedGen C1834481, MONDO:0013262, OMIM 613426.
Hypertrophic cardiomyopathy. Also called: HYPERTROPHIC MYOCARDIOPATHY. Identifiers: Orphanet 217569, MedGen C0007194, MeSH D002312, MONDO:0005045, HP:0001639.
Cardiovascular phenotype. Identifiers: MedGen CN230736.
Cardiomyopathy (CMYO). Also called: Cardiomyopathies. Identifiers: Orphanet 167848, MedGen C0878544, MONDO:0004994, HP:0001638. Inheritance: Various modes of inheritance.

Allele frequency attached by ClinVar (database versions not stated): gnomAD exomes below 0.00001; TOPMed below 0.00001; ExAC 0.00001; gnomAD 0.00001.
gnomAD v4.1: 3 of 1,613,976 alleles (0.00019%); highest among the groups gnomAD compares: Non-Finnish European, 0.00025%; no homozygotes.

Submissions (4):

Labcorp Genetics (formerly Invitae), Labcorp
Classification: Uncertain significance for Hypertrophic cardiomyopathy. Last evaluated: 2025-11-18. Review status: criteria provided, single submitter. Criteria: Invitae Variant Classification Sherloc (09022015). Collection method: clinical testing. Allele origin: germline.
Comment: This sequence change replaces leucine, which is neutral and non-polar, with phenylalanine, which is neutral and non-polar, at codon 1010 of the MYH7 protein (p.Leu1010Phe). This variant is present in population databases (rs768312155, gnomAD 0.0009%). This variant has not been reported in the literature in individuals affected with MYH7-related conditions. ClinVar contains an entry for this variant (Variation ID: 1011193). Invitae Evidence Modeling of protein sequence and biophysical properties (such as structural, functional, and spatial information, amino acid conservation, physicochemical variation, residue mobility, and thermodynamic stability) indicates that this missense variant is expected to disrupt MYH7 protein function with a positive predictive value of 95%. In summary, the available evidence is currently insufficient to determine the role of this variant in disease. Therefore, it has been classified as a Variant of Uncertain Significance.

Color Diagnostics, LLC DBA Color Health
Classification: Uncertain significance for Cardiomyopathy. Last evaluated: 2025-09-13. Review status: criteria provided, single submitter. Criteria: ACMG Guidelines, 2015. Collection method: clinical testing. Allele origin: germline.
Comment: This missense variant replaces leucine with phenylalanine at codon 1010 of the MYH7 protein. Computational prediction suggests that this variant may have deleterious impact on protein structure and function. To our knowledge, functional studies have not been reported for this variant. This variant has not been reported in individuals affected with MYH7-related disorders in the literature. This variant has been identified in 1/251492 chromosomes in the general population by the Genome Aggregation Database (gnomAD). The available evidence is insufficient to determine the role of this variant in disease conclusively. Therefore, this variant is classified as a Variant of Uncertain Significance.

Ambry Genetics
Classification: Uncertain significance for Cardiovascular phenotype. Last evaluated: 2022-06-08. Review status: criteria provided, single submitter. Criteria: Ambry Variant Classification Scheme 2023. Collection method: clinical testing. Allele origin: germline.
Comment: The p.L1010F variant (also known as c.3028C>T), located in coding exon 22 of the MYH7 gene, results from a C to T substitution at nucleotide position 3028. The leucine at codon 1010 is replaced by phenylalanine, an amino acid with highly similar properties. This variant was reported in one control individual from a hypertrophic cardiomyopathy (HCM) case-control cohort; however, clinical details were not provided (Homburger JR et al. Proc Natl Acad Sci U S A, 2016 06;113:6701-6). This amino acid position is highly conserved in available vertebrate species. In addition, this alteration is predicted to be deleterious by in silico analysis. Since supporting evidence is limited at this time, the clinical significance of this alteration remains unclear.

Fulgent Genetics
Classification: Uncertain significance for MYH7-related skeletal myopathy; Myosin storage myopathy; Hypertrophic cardiomyopathy 1; Myopathy, myosin storage, autosomal recessive; Congenital myopathy 4A, autosomal dominant; Dilated cardiomyopathy 1S. Last evaluated: 2021-12-20. Review status: criteria provided, single submitter. Criteria: ACMG Guidelines, 2015. Collection method: clinical testing. Allele origin: unknown.

Literature cited by the submitters: PubMed 27247418 (cited by Ambry Genetics).